The following is an entry in ClinVar:

NM_001148.6(ANK2):c.2056G>A (p.Ala686Thr)

Gene: ANK2 (ankyrin 2; plus strand). Cytogenetic location: 4q26.
Variant type: single nucleotide variant.
Coding change: c.2056G>A on transcript NM_001148.6 (MANE Select); coding-DNA position 2056, G replaced by A.
Protein change: p.Ala686Thr; replaces alanine 686 with threonine.
Molecular consequence: missense variant.
Genome position (GRCh38, 1-based): chr4:113,282,849, G>A. VCF-style: chr4-113282849-G-A. GRCh37 (hg19) VCF-style: chr4-114204005-G-A.
Other names: c.1993G>A, p.Ala665Thr (NM_001127493.3, NM_001354239.2, NM_001354243.2 and 10 more transcripts); c.2056G>A, p.Ala686Thr (NM_001354225.2, NM_001354228.2, NM_001354232.2 and 6 more transcripts); c.2101G>A, p.Ala701Thr (NM_001354230.2, NM_001354231.2, NM_001354237.2 and 5 more transcripts); c.1957G>A, p.Ala653Thr (NM_001354245.2, NM_001354268.2); c.1969G>A, p.Ala657Thr (NM_001354249.2, NM_001354264.2, NM_001354266.2 and 10 more transcripts); c.1894G>A, p.Ala632Thr (NM_001354253.2, NM_001354257.2, NM_001354270.2 and 1 more transcripts); c.1870G>A, p.Ala624Thr (NM_001354260.2, NM_001354271.2, NM_001386151.1); c.2014G>A, p.Ala672Thr (NM_001354261.2, NM_001386147.1, NM_001386160.1); and 8 more; short protein forms A558T, A591T, A616T, A620T, A624T, A632T, A653T, A657T.
Identifiers: ClinVar variation 3391786 (VCV003391786.2).

ClinVar aggregate classification (germline): Uncertain significance (1 of 4 stars; one submission).

Submission:

GeneDx
Classification: Uncertain significance. Last evaluated: 2025-02-13. Review status: criteria provided, single submitter. Criteria: GeneDx Variant Classification Process June 2021. Collection method: clinical testing. Allele origin: germline.
Comment: Not observed at significant frequency in large population cohorts (gnomAD); In silico analysis supports that this missense variant has a deleterious effect on protein structure/function; Has not been previously published as pathogenic or benign to our knowledge